The following is an entry in ClinVar:

ClinVar aggregate classification (germline): Likely benign (0 of 4 stars; one submission).

Conditions:
ZBTB17-related disorder. Also called: ZBTB17-related condition.

Allele frequency attached by ClinVar (database versions not stated): gnomAD exomes 0.00049; ExAC 0.00200; gnomAD 0.00478; 1000 Genomes Project 0.00499; TOPMed 0.00536; ESP Exome Variant Server 0.00546; 1000 Genomes Project 30x 0.00578.
gnomAD v4.1: 1,456 of 1,591,998 alleles (0.091%); highest among the groups gnomAD compares: African/African-American, 1.7%; 17 homozygotes.

Submission:

PreventionGenetics, part of Exact Sciences
Classification: Likely benign for ZBTB17-related condition. Last evaluated: 2023-12-20. Review status: no assertion criteria provided. Collection method: clinical testing. Allele origin: germline.
Comment: This variant is classified as likely benign based on ACMG/AMP sequence variant interpretation guidelines (Richards et al. 2015 PMID: 25741868, with internal and published modifications).

NM_003443.3(ZBTB17):c.1372-4A>G

Gene: ZBTB17 (zinc finger and BTB domain containing 17; minus strand). Cytogenetic location: 1p36.13.
Variant type: single nucleotide variant.
Coding change: c.1372-4A>G on transcript NM_003443.3 (MANE Select); 4 bases into the intron before coding-DNA position 1372, A replaced by G.
Molecular consequence: intron variant.
Genome position (GRCh38, 1-based): chr1:15,943,899, T>C on the plus strand (A>G on the coding strand, the complement: ZBTB17 is on the minus strand). VCF-style: chr1-15943899-T-C. GRCh37 (hg19) VCF-style: chr1-16270394-T-C.
Other names: c.1144-4A>G (NM_001324137.2, NM_001287604.2); c.1126-4A>G (NM_001242884.2); c.1183-4A>G (NM_001324138.2); c.1372-4A>G (NM_001287603.2).
Identifiers: ClinVar variation 3056701 (VCV003056701.2), dbSNP rs201683775, ClinGen allele CA621164.
Genomic context (GRCh38, chr1:15,943,899, plus strand): 5'-GCACTTGAGGGGCCCGTCAGCGATGTGGATCTTCAGGTGGGCCTTCAGGTTCCCTACCTG[T>C]GCCCAGGGAGGGGTCAGGGGGGCCACCCCACAGAGCTCGGCCCCGGGCCCCCTCACCTGC-3'